The following is an entry in ClinVar:

NM_001370259.2(MEN1):c.255_261del (p.Ile85fs)

Gene: MEN1 (menin 1; minus strand). Cytogenetic location: 11q13.1.
Variant type: Deletion.
Coding change: c.255_261del on transcript NM_001370259.2 (MANE Select); coding-DNA positions 255 to 261, 7 bases deleted (CATCGCC; older notation c.255_261delCATCGCC).
Protein change: p.Ile85fs; shifts the reading frame from isoleucine 85.
Molecular consequence: frameshift variant. On other transcripts: non-coding transcript variant (4).
Genome position (GRCh38, 1-based): chr11:64,809,849-64,809,855, GGCGATG deleted on the plus strand (CATCGCC on the coding strand, the reverse complement: MEN1 is on the minus strand). VCF-style (leftmost placement, unchanged base first): chr11-64809848-CGGCGATG-C. GRCh37 (hg19) VCF-style: chr11-64577320-CGGCGATG-C.
Other names: c.255_261del, p.Ile85fs (NM_000244.4, NM_001370251.2, NM_001370260.2 and 20 more transcripts); short protein forms I85fs.
Identifiers: ClinVar variation 3229092 (VCV003229092.1), dbSNP rs2497271798, ClinGen allele CA2825002036.

ClinVar aggregate classification (germline): Pathogenic (1 of 4 stars; one submission).

Conditions:
Hereditary cancer-predisposing syndrome. Also called: Neoplastic Syndromes, Hereditary; Tumor predisposition; Hereditary neoplastic syndrome; Hereditary Cancer Syndrome. Identifiers: Orphanet 140162, MedGen C0027672, MeSH D009386, MONDO:0015356.

Submission:

Ambry Genetics
Classification: Pathogenic for Hereditary cancer-predisposing syndrome. Last evaluated: 2023-10-02. Review status: criteria provided, single submitter. Criteria: Ambry Variant Classification Scheme 2023. Collection method: clinical testing. Allele origin: germline.
Comment: The c.255_261delCATCGCC pathogenic mutation, located in coding exon 1 of the MEN1 gene, results from a deletion of 7 nucleotides at nucleotide positions 255 to 261, causing a translational frameshift with a predicted alternate stop codon (p.I85Mfs*32). This variant is considered to be rare based on population cohorts in the Genome Aggregation Database (gnomAD). This alteration is expected to result in loss of function by premature protein truncation or nonsense-mediated mRNA decay. As such, this alteration is interpreted as a disease-causing mutation.